The following is an entry in ClinVar:

NM_001256789.3(CACNA1F):c.3438+2T>C

Gene: CACNA1F (calcium voltage-gated channel subunit alpha1 F; minus strand). Cytogenetic location: Xp11.23.
Variant type: single nucleotide variant.
Coding change: c.3438+2T>C on transcript NM_001256789.3 (MANE Select); the canonical splice donor site of the intron after coding-DNA position 3438, T replaced by C.
Molecular consequence: splice donor variant.
Genome position (GRCh38, 1-based): chrX:49,215,340, A>G on the plus strand (T>C on the coding strand, the complement: CACNA1F is on the minus strand). VCF-style: chrX-49215340-A-G. GRCh37 (hg19) VCF-style: chrX-49071800-A-G.
Other names: c.3471+2T>C (NM_005183.4, NM_005183.3); c.3276+2T>C (NM_001256790.3).
Identifiers: ClinVar variation 2106377 (VCV002106377.5), dbSNP rs1277939762, ClinGen allele CA412963367.

ClinVar aggregate classification (germline): Likely pathogenic. Review status: criteria provided, multiple submitters, no conflicts (2 of 4 stars). 2 submissions from 2 submitters: Likely pathogenic (2). Last evaluated 2025-01-17.

Conditions:
CACNA1F-related disorder. Also called: CACNA1F-related condition.

Allele frequency attached by ClinVar (database versions not stated): gnomAD exomes 0.00001; TOPMed 0.00002; gnomAD 0.00003.
gnomAD v4.1: 8 of 1,206,938 alleles (0.00066%); highest among the groups gnomAD compares: Admixed American, 0.018%; no homozygotes.

Submissions (2):

PreventionGenetics, part of Exact Sciences
Classification: Likely pathogenic for CACNA1F-related condition. Last evaluated: 2025-01-17. Review status: criteria provided, single submitter. Criteria: ACMG Guidelines, 2015. Collection method: clinical testing. Allele origin: germline.
Comment: The CACNA1F c.3471+2T>C variant is predicted to disrupt the GT donor site and interfere with normal splicing. To our knowledge, this variant has not been reported in the literature. An alternate variant affecting this same nucleotide position (c.3471+2T>G) has been reported in an individual with retinal disease (Zeitz et al. 2019. PubMed ID: 30825406). This variant is present in 0.022% of alleles in individuals of Latino descent in gnomAD. Variants that disrupt the consensus splice donor site in CACNA1F are an established mechanism of disease. This variant is interpreted as likely pathogenic.

Labcorp Genetics (formerly Invitae), Labcorp
Classification: Likely pathogenic. Last evaluated: 2022-05-18. Review status: criteria provided, single submitter. Criteria: Invitae Variant Classification Sherloc (09022015). Collection method: clinical testing. Allele origin: germline.
Comment: This sequence change affects a donor splice site in intron 28 of the CACNA1F gene. It is expected to disrupt RNA splicing. Variants that disrupt the donor or acceptor splice site typically lead to a loss of protein function (PMID: 16199547), and loss-of-function variants in CACNA1F are known to be pathogenic (PMID: 9662399, 11281458, 17525176, 22194652, 24124559, 26992781). This variant is present in population databases (no rsID available, gnomAD 0.02%). Disruption of this splice site has been observed in individual(s) with congenital stationary night blindness, type 2A (PMID: 30825406). Algorithms developed to predict the effect of sequence changes on RNA splicing suggest that this variant may disrupt the consensus splice site. In summary, the currently available evidence indicates that the variant is pathogenic, but additional data are needed to prove that conclusively. Therefore, this variant has been classified as Likely Pathogenic.

Literature cited by the submitters: PubMed 16199547 (cited by Labcorp Genetics (formerly Invitae), Labcorp); PubMed 9662399 (cited by Labcorp Genetics (formerly Invitae), Labcorp); PubMed 11281458 (cited by Labcorp Genetics (formerly Invitae), Labcorp); PubMed 17525176 (cited by Labcorp Genetics (formerly Invitae), Labcorp); PubMed 22194652 (cited by Labcorp Genetics (formerly Invitae), Labcorp); PubMed 24124559 (cited by Labcorp Genetics (formerly Invitae), Labcorp); PubMed 26992781 (cited by Labcorp Genetics (formerly Invitae), Labcorp); PubMed 30825406 (cited by Labcorp Genetics (formerly Invitae), Labcorp).